The following is an entry in ClinVar:

ClinVar aggregate classification (germline): Uncertain significance (1 of 4 stars; one submission).

Conditions:
Majeed syndrome (MJDS). Also called: CHRONIC RECURRENT MULTIFOCAL OSTEOMYELITIS 1, WITH CONGENITAL DYSERYTHROPOIETIC ANEMIA, WITH OR WITHOUT NEUTROPHILIC DERMATOSIS; LPIN2-Related Majeed Syndrome. Identifiers: Orphanet 77297, MedGen C1864997, MONDO:0012316, OMIM 609628.

Allele frequency attached by ClinVar (database versions not stated): gnomAD exomes 0.00001.
gnomAD v4.1: 3 of 1,610,990 alleles (0.00019%); highest among the groups gnomAD compares: Admixed American, 0.005%; no homozygotes.

Submission:

Labcorp Genetics (formerly Invitae), Labcorp
Classification: Uncertain significance for Majeed syndrome. Last evaluated: 2022-08-22. Review status: criteria provided, single submitter. Criteria: Invitae Variant Classification Sherloc (09022015). Collection method: clinical testing. Allele origin: germline.
Comment: In summary, the available evidence is currently insufficient to determine the role of this variant in disease. Therefore, it has been classified as a Variant of Uncertain Significance. Variants that disrupt the consensus splice site are a relatively common cause of aberrant splicing (PMID: 17576681, 9536098). Algorithms developed to predict the effect of sequence changes on RNA splicing suggest that this variant is not likely to affect RNA splicing. ClinVar contains an entry for this variant (Variation ID: 1393233). This variant has not been reported in the literature in individuals affected with LPIN2-related conditions. This variant is present in population databases (no rsID available, gnomAD 0.009%). This sequence change falls in intron 17 of the LPIN2 gene. It does not directly change the encoded amino acid sequence of the LPIN2 protein. It affects a nucleotide within the consensus splice site.

Literature cited by the submitters: PubMed 17576681; PubMed 9536098.

NM_001375808.2(LPIN2):c.2327+6T>A

Gene: LPIN2 (lipin 2; minus strand). Cytogenetic location: 18p11.31.
Variant type: single nucleotide variant.
Coding change: c.2327+6T>A on transcript NM_001375808.2 (MANE Select); 6 bases into the intron after coding-DNA position 2327, T replaced by A.
Molecular consequence: intron variant.
Genome position (GRCh38, 1-based): chr18:2,922,041, A>T on the plus strand (T>A on the coding strand, the complement: LPIN2 is on the minus strand). VCF-style: chr18-2922041-A-T. GRCh37 (hg19) VCF-style: chr18-2922039-A-T.
Other names: c.2327+6T>A (NM_014646.2, NM_001375809.1).
Identifiers: ClinVar variation 1393233 (VCV001393233.6), dbSNP rs1334564990, ClinGen allele CA628482882.